The following is an entry in ClinVar:

NM_000124.4(ERCC6):c.184_185del (p.Ala62fs)

Gene: ERCC6 (ERCC excision repair 6, chromatin remodeling factor; minus strand). Cytogenetic location: 10q11.23.
Variant type: Microsatellite.
Coding change: c.184_185del on transcript NM_000124.4 (MANE Select); coding-DNA positions 184 to 185, 2 bases deleted (GC; older notation c.184_185delGC).
Protein change: p.Ala62fs; shifts the reading frame from alanine 62.
Molecular consequence: frameshift variant.
Genome position (GRCh38, 1-based): chr10:49,532,780-49,532,781, GC deleted on the plus strand (GC on the coding strand, the reverse complement: ERCC6 is on the minus strand); deleting any 2 consecutive bases within chr10:49,532,780-49,532,783 gives the same sequence; the c. name uses the placement nearest the transcript's 3' end. VCF-style (leftmost placement, unchanged base first): chr10-49532779-TGC-T. GRCh37 (hg19) VCF-style: chr10-50740825-TGC-T.
Other names: c.184_185del, p.Ala62fs (NM_001277058.2, NM_001277059.2, NM_001346440.2); short protein forms A62fs.
Identifiers: ClinVar variation 2058316 (VCV002058316.4), dbSNP rs2496174268, ClinGen allele CA2580615467.

ClinVar aggregate classification (germline): Pathogenic (1 of 4 stars; one submission).

Submission:

Labcorp Genetics (formerly Invitae), Labcorp
Classification: Pathogenic. Last evaluated: 2021-12-24. Review status: criteria provided, single submitter. Criteria: Invitae Variant Classification Sherloc (09022015). Collection method: clinical testing. Allele origin: germline.
Comment: This sequence change creates a premature translational stop signal (p.Ala62Ilefs*24) in the ERCC6 gene. It is expected to result in an absent or disrupted protein product. Loss-of-function variants in ERCC6 are known to be pathogenic (PMID: 18628313, 29572252). This variant is not present in population databases (gnomAD no frequency). This variant has not been reported in the literature in individuals affected with ERCC6-related conditions. For these reasons, this variant has been classified as Pathogenic.

Literature cited by the submitters: PubMed 18628313; PubMed 29572252.